The following is an entry in ClinVar:

ClinVar aggregate classification (germline): Uncertain significance (1 of 4 stars; one submission).

Conditions:
Kabuki syndrome. Also called: Kabuki make-up syndrome; NIIKAWA-KUROKI SYNDROME. Identifiers: Orphanet 2322, MedGen C0796004, MONDO:0016512.

Submission:

Labcorp Genetics (formerly Invitae), Labcorp
Classification: Uncertain significance for Kabuki syndrome. Last evaluated: 2025-10-10. Review status: criteria provided, single submitter. Criteria: Invitae Variant Classification Sherloc (09022015). Collection method: clinical testing. Allele origin: germline.
Comment: This sequence change replaces glutamine, which is neutral and polar, with leucine, which is neutral and non-polar, at codon 3918 of the KMT2D protein (p.Gln3918Leu). Information on the frequency of this variant in the gnomAD database is not available, as this variant may be reported differently in the database. This variant has not been reported in the literature in individuals affected with KMT2D-related conditions. Experimental studies and prediction algorithms are not available or were not evaluated, and the functional significance of this variant is currently unknown. In summary, the available evidence is currently insufficient to determine the role of this variant in disease. Therefore, it has been classified as a Variant of Uncertain Significance.

NM_003482.4(KMT2D):c.11753_11754delinsTA (p.Gln3918Leu)

Gene: KMT2D (lysine methyltransferase 2D; minus strand). Cytogenetic location: 12q13.12.
Variant type: Indel.
Coding change: c.11753_11754delinsTA on transcript NM_003482.4 (MANE Select); coding-DNA positions 11753 to 11754, AG replaced by TA.
Protein change: p.Gln3918Leu; replaces glutamine 3918 with leucine.
Molecular consequence: missense variant.
Genome position (GRCh38, 1-based): chr12:49,032,951-49,032,952, CT replaced by TA on the plus strand (AG replaced by TA on the coding strand, the reverse complement: KMT2D is on the minus strand). VCF-style: chr12-49032951-CT-TA. GRCh37 (hg19) VCF-style: chr12-49426734-CT-TA.
Other names: short protein forms Q3918L.
Identifiers: ClinVar variation 4728886 (VCV004728886.1).